The following is an entry in ClinVar:

NM_014208.3(DSPP):c.3611del (p.Ser1204fs)

Genes: DSPP (dentin sialophosphoprotein; plus strand), DMP1-AS1 (DMP1 and DSPP antisense RNA 1; minus strand). Cytogenetic location: 4q22.1.
Variant type: Deletion.
Coding change: c.3611del on transcript NM_014208.3 (MANE Select); coding-DNA position 3611, one base deleted (G; older notation c.3611delG).
Protein change: p.Ser1204fs; shifts the reading frame from serine 1204.
Molecular consequence: frameshift variant.
Genome position (GRCh38, 1-based): chr4:87,616,273, G deleted. VCF-style (leftmost placement, unchanged base first): chr4-87616272-AG-A. GRCh37 (hg19) VCF-style: chr4-88537424-AG-A.
Other names: c.3611delG (NM_014208.3); short protein forms S1204fs.
Identifiers: ClinVar variation 1299353 (VCV001299353.1), dbSNP rs2109999064, ClinGen allele CA2499217346.

ClinVar aggregate classification (germline): Likely pathogenic (1 of 4 stars; one submission).

Conditions:
Dentinogenesis imperfecta type 2 (DGI1). Also called: Dentinogenesis imperfecta without osteogenesis imperfecta; Hereditary Opalescent Dentin; OPALESCENT DENTIN; OPALESCENT TEETH WITHOUT OSTEOGENESIS IMPERFECTA; CAPDEPONT TEETH; Dentinogenesis imperfecta - Shield's type II. Identifiers: Orphanet 166260, MedGen C2973527, MONDO:0007441, OMIM 125490. Disease mechanism: loss of function.

Submission:

Genetic Diagnostics Department, Viafet Genomics Laboratory
Classification: Likely pathogenic for Dentinogenesis imperfecta type 2. Last evaluated: 2016-04-28. Review status: criteria provided, single submitter. Criteria: ACMG Guidelines, 2015. Collection method: clinical testing. Allele origin: germline. Affected: yes. Observed: 2 variant alleles, 2 heterozygotes.
Comment: Parents' samples were not provided for testing. This variant is present in exon 4/4 in the only transcript of this gene. Several loss-of-function variants are reported as disease-causing in HGMD after this position.